The following is an entry in ClinVar:

NM_000171.4(GLRA1):c.164G>C (p.Arg55Thr)

Gene: GLRA1 (glycine receptor alpha 1; minus strand). Cytogenetic location: 5q33.1.
Variant type: single nucleotide variant.
Coding change: c.164G>C on transcript NM_000171.4 (MANE Select); coding-DNA position 164, G replaced by C.
Protein change: p.Arg55Thr; replaces arginine 55 with threonine.
Molecular consequence: missense variant. On other transcripts: intron variant (1).
Genome position (GRCh38, 1-based): chr5:151,892,331, C>G on the plus strand (G>C on the coding strand, the complement: GLRA1 is on the minus strand). VCF-style: chr5-151892331-C-G. GRCh37 (hg19) VCF-style: chr5-151271892-C-G.
Other names: c.164G>C, p.Arg55Thr (NM_001146040.2); c.-65-5543G>C (NM_001292000.2); short protein forms R55T.
Identifiers: ClinVar variation 573802 (VCV000573802.10), dbSNP rs1561574547, ClinGen allele CA361847890.
Genomic context (GRCh38, chr5:151,892,331, plus strand): 5'-AAGCATTTCCCTGTGGGTCTGGAAGGAATATTTTCTCTACCTTTAAAATTGGGCCTGATC[C>G]TGGCATCATATCCGGAGGTTCTCCCCATTAGCTTATCCAGGAAATCCGAGGGTGACATAG-3'
Protein context (NP_000162.2, residues 45-65): LMGRTSGYDA[Arg55Thr]IRPNFKGPPV

ClinVar aggregate classification (germline): Uncertain significance (1 of 4 stars; one submission).

Conditions:
Hereditary hyperekplexia. Identifiers: Orphanet 3197, MedGen C4084968, MONDO:0021022.

Allele frequency attached by ClinVar (database versions not stated): TOPMed below 0.00001.

Submission:

Labcorp Genetics (formerly Invitae), Labcorp
Classification: Uncertain significance for Hereditary hyperekplexia. Last evaluated: 2019-03-13. Review status: criteria provided, single submitter. Criteria: Invitae Variant Classification Sherloc (09022015). Collection method: clinical testing. Allele origin: germline.
Comment: This variant has not been reported in the literature in individuals with GLRA1-related disease. This variant is not present in population databases (ExAC no frequency). This sequence change replaces arginine with threonine at codon 55 of the GLRA1 protein (p.Arg55Thr). The arginine residue is highly conserved and there is a moderate physicochemical difference between arginine and threonine. Algorithms developed to predict the effect of missense changes on protein structure and function are either unavailable or do not agree on the potential impact of this missense change (SIFT: "Deleterious"; PolyPhen-2: "Probably Damaging"; Align-GVGD: "Class C0"). In summary, the available evidence is currently insufficient to determine the role of this variant in disease. Therefore, it has been classified as a Variant of Uncertain Significance.